The following is an entry in ClinVar:

NM_002242.4(KCNJ13):c.689G>A (p.Ser230Asn)

Genes: GIGYF2 (GRB10 interacting GYF protein 2; plus strand), KCNJ13 (potassium inwardly rectifying channel subfamily J member 13; minus strand). Cytogenetic location: 2q37.1.
Variant type: single nucleotide variant.
Coding change: c.689G>A on transcript NM_002242.4 (MANE Select); coding-DNA position 689, G replaced by A.
Protein change: p.Ser230Asn; replaces serine 230 with asparagine.
Molecular consequence: missense variant. On other transcripts: 3 prime UTR variant (1), intron variant (4).
Genome position (GRCh38, 1-based): chr2:232,768,585, C>T on the plus strand (G>A on the coding strand, the complement: KCNJ13 is on the minus strand). VCF-style: chr2-232768585-C-T. GRCh37 (hg19) VCF-style: chr2-233633295-C-T.
Other names: c.*168G>A (NM_001172416.1); c.449G>A, p.Ser150Asn (NM_001172417.1); c.532+7149C>T (NM_001103146.3, NM_015575.4, NM_001103147.2 and 1 more transcripts); short protein forms S230N, S150N.
Identifiers: ClinVar variation 335053 (VCV000335053.18), dbSNP rs146797648, ClinGen allele CA2169997.
Genomic context (GRCh38, chr2:232,768,585, plus strand): 5'-GATGGTGTAATGGAGTGATAGTACGTTAGTGGAAAGATGAAGAATGGACATTCGTCAGAA[C>T]TGATGCCATCAAGGTGGAAATCCACACTGGTCTGGTAGAGTTTGCCATTTTCTCTTTCCT-3'
Protein context (NP_002233.2, residues 220-240): TSVDFHLDGI[Ser230Asn]SDECPFFIFP

ClinVar aggregate classification (germline): Uncertain significance. Review status: criteria provided, multiple submitters, no conflicts (2 of 4 stars). 7 submissions from 7 submitters: Uncertain significance (7). Last evaluated 2025-09-02.

Conditions:
Leber congenital amaurosis 16 (LCA16). Identifiers: Orphanet 65, MedGen C3280062, MONDO:0013613, OMIM 614186.
Snowflake vitreoretinal degeneration (SVD). Identifiers: Orphanet 91496, MedGen C1860405, MONDO:0008663, OMIM 193230, HP:0011533.

Allele frequency attached by ClinVar (database versions not stated): ESP Exome Variant Server 0.00015; gnomAD 0.00022; TOPMed 0.00022; ExAC 0.00026.
gnomAD v4.1: 401 of 1,614,142 alleles (0.025%); highest among the groups gnomAD compares: Middle Eastern, 0.15%; 1 homozygote.

Submissions (7):

Labcorp Genetics (formerly Invitae), Labcorp
Classification: Uncertain significance. Last evaluated: 2025-09-02. Review status: criteria provided, single submitter. Criteria: Invitae Variant Classification Sherloc (09022015). Collection method: clinical testing. Allele origin: germline.
Comment: This sequence change replaces serine, which is neutral and polar, with asparagine, which is neutral and polar, at codon 230 of the KCNJ13 protein (p.Ser230Asn). This variant is present in population databases (rs146797648, gnomAD 0.06%). This variant has not been reported in the literature in individuals affected with KCNJ13-related conditions. ClinVar contains an entry for this variant (Variation ID: 335053). Invitae Evidence Modeling of protein sequence and biophysical properties (such as structural, functional, and spatial information, amino acid conservation, physicochemical variation, residue mobility, and thermodynamic stability) indicates that this missense variant is not expected to disrupt KCNJ13 protein function with a negative predictive value of 80%. In summary, the available evidence is currently insufficient to determine the role of this variant in disease. Therefore, it has been classified as a Variant of Uncertain Significance.

Blueprint Genetics
Classification: Uncertain significance. Last evaluated: 2024-09-03. Review status: criteria provided, single submitter. Criteria: ACMG Guidelines, 2015. Collection method: clinical testing. Allele origin: germline.

Department of Pathology and Laboratory Medicine, Sinai Health System
Classification: Uncertain significance for Snowflake vitreoretinal degeneration; Leber congenital amaurosis 16. Last evaluated: 2022-02-07. Review status: criteria provided, single submitter. Criteria: ACMG Guidelines, 2015. Collection method: research. Allele origin: germline.

Ambry Genetics
Classification: Uncertain significance. Last evaluated: 2021-10-12. Review status: criteria provided, single submitter. Criteria: Ambry Variant Classification Scheme 2023. Collection method: clinical testing. Allele origin: germline.

Revvity Omics, Revvity
Classification: Uncertain significance. Last evaluated: 2019-05-31. Review status: criteria provided, single submitter. Criteria: ACMG Guidelines, 2015. Collection method: clinical testing. Allele origin: germline.

Illumina Laboratory Services, Illumina
Classification: Uncertain significance for Leber congenital amaurosis 16. Last evaluated: 2018-01-13. Review status: criteria provided, single submitter. Criteria: ICSL Variant Classification Criteria 13 December 2019. Collection method: clinical testing. Allele origin: germline.

Breakthrough Genomics
Classification: Uncertain significance. Review status: criteria provided, single submitter. Criteria: ACMG Guidelines, 2015. Collection method: not provided. Allele origin: germline. Inheritance: Autosomal recessive inheritance. Affected: yes.